The following is an entry in ClinVar:

ClinVar aggregate classification (germline): Pathogenic/Likely pathogenic. Review status: criteria provided, multiple submitters, no conflicts (2 of 4 stars). 4 submissions from 4 submitters: Pathogenic (3); Likely pathogenic (1). Last evaluated 2025-09-19.

Conditions:
PTCH1-related disorder. Also called: PTCH1-related disorders; PTCH1-related condition.
Hereditary cancer-predisposing syndrome. Also called: Neoplastic Syndromes, Hereditary; Tumor predisposition; Hereditary neoplastic syndrome; Hereditary Cancer Syndrome. Identifiers: Orphanet 140162, MedGen C0027672, MeSH D009386, MONDO:0015356.
Gorlin syndrome. Also called: Basal cell nevus syndrome; Nevoid Basal Cell Carcinoma Syndrome. Identifiers: Orphanet 377, MedGen C0004779, MONDO:0007187.

Submissions (4):

3billion
Classification: Pathogenic for PTCH1-related disorder. Last evaluated: 2025-09-19. Review status: criteria provided, single submitter. Criteria: ACMG Guidelines, 2015. Collection method: clinical testing. Allele origin: germline. Affected: yes.
Comment: The variant is not observed in the gnomAD v4.1.0 dataset. Predicted Consequence/Location: Canonical splice site: predicted to alter splicing and result in a loss or disruption of normal protein function. Multiple pathogenic loss-of-function variants are reported downstream of the variant. In silico tools predict the variant to alter splicing and produce an abnormal transcript [SpliceAI: 0.91 (spliceogenicity >=0.2, non-spliceogenicity <0.1)]. The variant has been reported at least twice as pathogenic without evidence for the classification (ClinVar ID: VCV000428844). Therefore, this variant is classified as Pathogenic according to the recommendation of ACMG/AMP guideline.

Quest Diagnostics Nichols Institute San Juan Capistrano
Classification: Likely pathogenic. Last evaluated: 2021-08-16. Review status: criteria provided, single submitter. Criteria: Quest Diagnostics criteria. Collection method: clinical testing. Allele origin: unknown.
Comment: This variant is located in a canonical splice-acceptor site and is predicted to interfere with normal PTCH1 mRNA splicing. To the best of our knowledge, the variant has not been reported in the published literature. Also, this variant has not been reported in large, multi-ethnic general populations. Based on the available information, this variant is classified as likely pathogenic.

Labcorp Genetics (formerly Invitae), Labcorp
Classification: Pathogenic for Gorlin syndrome. Last evaluated: 2020-08-25. Review status: criteria provided, single submitter. Criteria: Invitae Variant Classification Sherloc (09022015). Collection method: clinical testing. Allele origin: germline.
Comment: Donor and acceptor splice site variants typically lead to a loss of protein function (PMID: 16199547), and loss-of-function variants in PTCH1 are known to be pathogenic (PMID: 16301862, 16419085). Algorithms developed to predict the effect of sequence changes on RNA splicing suggest that this variant may disrupt the consensus splice site, but this prediction has not been confirmed by published transcriptional studies. Disruption of this splice site has been observed in individual(s) with clinical features of basal cell nevus syndrome (PMID: 29575684, Invitae). ClinVar contains an entry for this variant (Variation ID: 428844). This variant is not present in population databases (ExAC no frequency). This sequence change affects an acceptor splice site in intron 1 of the PTCH1 gene. It is expected to disrupt RNA splicing and likely results in an absent or disrupted protein product. For these reasons, this variant has been classified as Pathogenic.

Ambry Genetics
Classification: Pathogenic for Hereditary cancer-predisposing syndrome. Last evaluated: 2017-05-31. Review status: criteria provided, single submitter. Criteria: Ambry Variant Classification Scheme 2023. Collection method: clinical testing. Allele origin: germline.
Comment: The c.202-2A>C intronic pathogenic mutation results from an A to C substitution two nucleotides upstream from coding exon 2 in the PTCH1 gene. Alterations that disrupt the canonical splice site are expected to cause aberrant splicing, resulting in an abnormal protein or a transcript that is subject to nonsense-mediated mRNA decay. As such, this alteration is classified as a disease-causing mutation.

Literature cited by the submitters: PubMed 16199547 (cited by Labcorp Genetics (formerly Invitae), Labcorp); PubMed 16301862 (cited by Labcorp Genetics (formerly Invitae), Labcorp); PubMed 16419085 (cited by Labcorp Genetics (formerly Invitae), Labcorp); PubMed 29575684 (cited by Labcorp Genetics (formerly Invitae), Labcorp).

NM_000264.5(PTCH1):c.202-2A>C

Gene: PTCH1 (patched 1; minus strand). Cytogenetic location: 9q22.32.
Variant type: single nucleotide variant.
Coding change: c.202-2A>C on transcript NM_000264.5 (MANE Select); the canonical splice acceptor site of the intron before coding-DNA position 202, A replaced by C.
Molecular consequence: splice acceptor variant.
Genome position (GRCh38, 1-based): chr9:95,506,601, T>G on the plus strand (A>C on the coding strand, the complement: PTCH1 is on the minus strand). VCF-style: chr9-95506601-T-G. GRCh37 (hg19) VCF-style: chr9-98268883-T-G.
Other names: c.199-2A>C (NM_001083603.3); c.4-2A>C (NM_001083602.3, NM_001354919.2); c.202-2A>C (NM_001354918.2); c.-252-2A>C (NM_001083605.3, NM_001083604.3, NM_001083606.3 and 1 more transcripts).
Identifiers: ClinVar variation 428844 (VCV000428844.16), dbSNP rs878853849, ClinGen allele CA374120777.